The following is an entry in ClinVar:

ClinVar aggregate classification (germline): Uncertain significance (1 of 4 stars; one submission).

Conditions:
Hereditary cancer-predisposing syndrome. Also called: Tumor predisposition; Hereditary Cancer Syndrome; Hereditary neoplastic syndrome; Neoplastic Syndromes, Hereditary. Identifiers: Orphanet 140162, MedGen C0027672, MeSH D009386, MONDO:0015356.

Submission:

Ambry Genetics
Classification: Uncertain significance for Hereditary cancer-predisposing syndrome. Last evaluated: 2024-04-04. Review status: criteria provided, single submitter. Criteria: Ambry Variant Classification Scheme 2023. Collection method: clinical testing. Allele origin: germline.
Comment: The p.L856Q variant (also known as c.2567T>A), located in coding exon 15 of the PMS2 gene, results from a T to A substitution at nucleotide position 2567. The leucine at codon 856 is replaced by glutamine, an amino acid with dissimilar properties. This amino acid position is conserved. In addition, this alteration is predicted to be deleterious by in silico analysis. Based on the available evidence, the clinical significance of this variant remains unclear.

NM_000535.7(PMS2):c.2567T>A (p.Leu856Gln)

Gene: PMS2 (PMS1 homolog 2, mismatch repair system component; minus strand). Cytogenetic location: 7p22.1.
Variant type: single nucleotide variant.
Coding change: c.2567T>A on transcript NM_000535.7 (MANE Select); coding-DNA position 2567, T replaced by A.
Protein change: p.Leu856Gln; replaces leucine 856 with glutamine.
Molecular consequence: missense variant. On other transcripts: non-coding transcript variant (1).
Genome position (GRCh38, 1-based): chr7:5,973,421, A>T on the plus strand (T>A on the coding strand, the complement: PMS2 is on the minus strand). VCF-style: chr7-5973421-A-T. GRCh37 (hg19) VCF-style: chr7-6013052-A-T.
Other names: c.2162T>A, p.Leu721Gln (NM_001322003.2, NM_001322004.2, NM_001322005.2 and 11 more transcripts); c.2411T>A, p.Leu804Gln (NM_001322006.2); c.2249T>A, p.Leu750Gln (NM_001322007.2, NM_001322008.2, NM_001406883.1); c.2195T>A, p.Leu732Gln (NM_001322009.2, NM_001406887.1, NM_001406888.1); c.2006T>A, p.Leu669Gln (NM_001322010.2, NM_001406906.1, NM_001406907.1); c.1634T>A, p.Leu545Gln (NM_001322011.2, NM_001322012.2); c.1994T>A, p.Leu665Gln (NM_001322013.2, NM_001406908.1, NM_001406909.1); c.2600T>A, p.Leu867Gln (NM_001322014.2); and 20 more; short protein forms L669Q, L721Q, L748Q, L761Q, L764Q, L455Q, L617Q, L694Q.
Identifiers: ClinVar variation 3308094 (VCV003308094.1).